The following is an entry in ClinVar:

NM_000465.4(BARD1):c.1650A>G (p.Glu550=)

Gene: BARD1 (BRCA1 associated RING domain 1; minus strand). Cytogenetic location: 2q35.
Variant type: single nucleotide variant.
Coding change: c.1650A>G on transcript NM_000465.4 (MANE Select); coding-DNA position 1650, A replaced by G.
Protein change: p.Glu550=; no amino-acid change (glutamic acid 550 retained).
Molecular consequence: synonymous variant. On other transcripts: non-coding transcript variant (3), intron variant (1).
Genome position (GRCh38, 1-based): chr2:214,752,474, T>C on the plus strand (A>G on the coding strand, the complement: BARD1 is on the minus strand). VCF-style: chr2-214752474-T-C. GRCh37 (hg19) VCF-style: chr2-215617198-T-C.
Other names: c.1593A>G, p.Glu531= (NM_001282543.2); c.297A>G, p.Glu99= (NM_001282545.2); c.240A>G, p.Glu80= (NM_001282548.2); c.365-21966A>G (NM_001282549.2).
Identifiers: ClinVar variation 560794 (VCV000560794.3), dbSNP rs1559394684, ClinGen allele CA431147723.
Genomic context (GRCh38, chr2:214,752,474, plus strand): 5'-ATATAAATGTCCCAAAGCTAAATCCATACTTACTACTGAGCAGTGGCTAGCTGAGGATGA[T>C]TCATTCTTCTCTGGTAGCAGCAATAGCGATTTCATACTTTCATCATCTGTATAATCGACA-3'
Protein context (NP_000456.2, residues 540-560): KSLLLLPEKN[Glu550=]SSSASHCSVM

ClinVar aggregate classification (germline): Benign/Likely benign. Review status: criteria provided, multiple submitters, no conflicts (2 of 4 stars). 2 submissions from 2 submitters: Benign (1); Likely benign (1). Last evaluated 2024-07-26.

Conditions:
Familial cancer of breast. Also called: hereditary breast carcinoma; Hereditary breast cancer; BREAST CANCER, FAMILIAL. Identifiers: Orphanet 227535, MedGen C0346153, MONDO:0016419, OMIM 114480. Disease mechanism: loss of function.

Allele frequency attached by ClinVar (database versions not stated): TOPMed below 0.00001.

Submissions (2):

Myriad Genetics, Inc.
Classification: Benign for Familial cancer of breast. Last evaluated: 2024-07-26. Review status: criteria provided, single submitter. Criteria: Myriad Autosomal Dominant, Autosomal Recessive and X-Linked Classification Criteria (2023). Collection method: clinical testing. Allele origin: unknown.
Comment: This variant is considered benign. This variant is a silent/synonymous amino acid change and it is not expected to impact splicing.

PreventionGenetics, part of Exact Sciences
Classification: Likely benign. Last evaluated: 2017-08-24. Review status: criteria provided, single submitter. Criteria: ACMG Guidelines, 2015. Collection method: clinical testing. Allele origin: germline.